The following is an entry in ClinVar:

ClinVar aggregate classification (germline): Uncertain significance (1 of 4 stars; one submission).

Conditions:
Dilated cardiomyopathy 1Z (CMD1Z). Identifiers: Orphanet 154, MedGen C2678475, MONDO:0012745, OMIM 611879.
Hypertrophic cardiomyopathy 13. Also called: TNNC1-Related Familial Hypertrophic Cardiomyopathy. Identifiers: MedGen C2750472, MONDO:0013195, OMIM 613243.

Submission:

Labcorp Genetics (formerly Invitae), Labcorp
Classification: Uncertain significance for Hypertrophic cardiomyopathy 13; Dilated cardiomyopathy 1Z. Last evaluated: 2024-01-22. Review status: criteria provided, single submitter. Criteria: Invitae Variant Classification Sherloc (09022015). Collection method: clinical testing. Allele origin: germline.
Comment: This sequence change replaces aspartic acid, which is acidic and polar, with glutamic acid, which is acidic and polar, at codon 62 of the TNNC1 protein (p.Asp62Glu). This variant is not present in population databases (gnomAD no frequency). This variant has not been reported in the literature in individuals affected with TNNC1-related conditions. ClinVar contains an entry for this variant (Variation ID: 470555). An algorithm developed to predict the effect of missense changes on protein structure and function (PolyPhen-2) suggests that this variant is likely to be disruptive. In summary, the available evidence is currently insufficient to determine the role of this variant in disease. Therefore, it has been classified as a Variant of Uncertain Significance.

NM_003280.3(TNNC1):c.186T>A (p.Asp62Glu)

Gene: TNNC1 (troponin C1, slow skeletal and cardiac type; minus strand). Cytogenetic location: 3p21.1.
Variant type: single nucleotide variant.
Coding change: c.186T>A on transcript NM_003280.3 (MANE Select); coding-DNA position 186, T replaced by A.
Protein change: p.Asp62Glu; replaces aspartic acid 62 with glutamic acid.
Molecular consequence: missense variant.
Genome position (GRCh38, 1-based): chr3:52,452,122, A>T on the plus strand (T>A on the coding strand, the complement: TNNC1 is on the minus strand). VCF-style: chr3-52452122-A-T. GRCh37 (hg19) VCF-style: chr3-52486138-A-T.
Other names: c.186T>A (LRG_378t1); short protein forms D62E.
Identifiers: ClinVar variation 470555 (VCV000470555.6), dbSNP rs1553651734, ClinGen allele CA353168106.